The following is an entry in ClinVar:

ClinVar aggregate classification (germline): Uncertain significance. Review status: criteria provided, multiple submitters, no conflicts (2 of 4 stars). 2 submissions from 2 submitters: Uncertain significance (2). Last evaluated 2025-11-18.

Conditions:
Ehlers-Danlos syndrome, classic type, 1 (EDSCL1). Also called: EHLERS-DANLOS SYNDROME, GRAVIS TYPE; EHLERS-DANLOS SYNDROME, SEVERE CLASSIC TYPE; Ehlers-Danlos syndrome, type 1; Ehlers-Danlos Syndrome, Classic Type, COL5A1-Related; EDS I. Identifiers: MedGen C0268335, MONDO:0019567, OMIM 130000.

Allele frequency attached by ClinVar (database versions not stated): TOPMed below 0.00001.
gnomAD v4.1: 1 of 1,613,774 alleles (0.000062%); highest among the groups gnomAD compares: Non-Finnish European, 0.000085%; no homozygotes.

Submissions (2):

Labcorp Genetics (formerly Invitae), Labcorp
Classification: Uncertain significance for Ehlers-Danlos syndrome, classic type, 1. Last evaluated: 2025-11-18. Review status: criteria provided, single submitter. Criteria: Invitae Variant Classification Sherloc (09022015). Collection method: clinical testing. Allele origin: germline.
Comment: This sequence change falls in intron 26 of the COL5A1 gene. It does not directly change the encoded amino acid sequence of the COL5A1 protein. It affects a nucleotide within the consensus splice site. This variant is not present in population databases (gnomAD no frequency). This variant has not been reported in the literature in individuals affected with COL5A1-related conditions. ClinVar contains an entry for this variant (Variation ID: 3026631). Variants that disrupt the consensus splice site are a relatively common cause of aberrant splicing (PMID: 17576681, 9536098). Algorithms developed to predict the effect of sequence changes on RNA splicing suggest that this variant is not likely to affect RNA splicing. In summary, the available evidence is currently insufficient to determine the role of this variant in disease. Therefore, it has been classified as a Variant of Uncertain Significance.

CeGaT Center for Human Genetics Tuebingen
Classification: Uncertain significance. Last evaluated: 2023-12-01. Review status: criteria provided, single submitter. Criteria: CeGaT Center For Human Genetics Tuebingen Variant Classification Criteria Version 2. Collection method: clinical testing. Allele origin: germline. Affected: yes. Observed: 2 variant alleles.
Comment: COL5A1: PM2, BP4

Literature cited by the submitters: PubMed 17576681 (cited by Labcorp Genetics (formerly Invitae), Labcorp); PubMed 9536098 (cited by Labcorp Genetics (formerly Invitae), Labcorp).

NM_000093.5(COL5A1):c.2331+3G>A

Gene: COL5A1 (collagen type V alpha 1 chain; plus strand). Cytogenetic location: 9q34.3.
Variant type: single nucleotide variant.
Coding change: c.2331+3G>A on transcript NM_000093.5 (MANE Select); 3 bases into the intron after coding-DNA position 2331, G replaced by A.
Molecular consequence: intron variant.
Genome position (GRCh38, 1-based): chr9:134,772,837, G>A. VCF-style: chr9-134772837-G-A. GRCh37 (hg19) VCF-style: chr9-137664683-G-A.
Other names: c.2331+3G>A (NM_001278074.1).
Identifiers: ClinVar variation 3026631 (VCV003026631.23), dbSNP rs1287962990, ClinGen allele CA860890279.